The following is an entry in ClinVar:

ClinVar aggregate classification (germline): Uncertain significance (1 of 4 stars; one submission).

Conditions:
Werner syndrome (WRN). Identifiers: Orphanet 902, MedGen C0043119, MONDO:0010196, OMIM 277700.

Allele frequency attached by ClinVar (database versions not stated): gnomAD exomes below 0.00001.
gnomAD v4.1: 2 of 1,613,100 alleles (0.00012%); highest among the groups gnomAD compares: African/African-American, 0.0027%; no homozygotes.

Submission:

Labcorp Genetics (formerly Invitae), Labcorp
Classification: Uncertain significance for Werner syndrome. Last evaluated: 2022-08-23. Review status: criteria provided, single submitter. Criteria: Invitae Variant Classification Sherloc (09022015). Collection method: clinical testing. Allele origin: germline.
Comment: This sequence change replaces glutamine with histidine at codon 623 of the WRN protein (p.Gln623His). The glutamine residue is highly conserved and there is a small physicochemical difference between glutamine and histidine. This variant is not present in population databases (gnomAD no frequency). This variant has not been reported in the literature in individuals affected with WRN-related conditions. ClinVar contains an entry for this variant (Variation ID: 1371062). Algorithms developed to predict the effect of missense changes on protein structure and function are either unavailable or do not agree on the potential impact of this missense change (SIFT: "Not Available"; PolyPhen-2: "Probably Damaging"; Align-GVGD: "Not Available"). In summary, the available evidence is currently insufficient to determine the role of this variant in disease. Therefore, it has been classified as a Variant of Uncertain Significance.

NM_000553.6(WRN):c.1869G>C (p.Gln623His)

Gene: WRN (WRN RecQ like helicase; plus strand). Cytogenetic location: 8p12.
Variant type: single nucleotide variant.
Coding change: c.1869G>C on transcript NM_000553.6 (MANE Select); coding-DNA position 1869, G replaced by C.
Protein change: p.Gln623His; replaces glutamine 623 with histidine.
Molecular consequence: missense variant.
Genome position (GRCh38, 1-based): chr8:31,091,869, G>C. VCF-style: chr8-31091869-G-C. GRCh37 (hg19) VCF-style: chr8-30949385-G-C.
Other names: short protein forms Q623H.
Identifiers: ClinVar variation 1371062 (VCV001371062.3), dbSNP rs1813759561, ClinGen allele CA370928463.